The following is an entry in ClinVar:

NM_001042492.3(NF1):c.6982G>A (p.Val2328Ile)

Gene: NF1 (neurofibromin 1; plus strand). Cytogenetic location: 17q11.2.
Variant type: single nucleotide variant.
Coding change: c.6982G>A on transcript NM_001042492.3 (MANE Select); coding-DNA position 6982, G replaced by A.
Protein change: p.Val2328Ile; replaces valine 2328 with isoleucine.
Molecular consequence: missense variant.
Genome position (GRCh38, 1-based): chr17:31,340,565, G>A. VCF-style: chr17-31340565-G-A. GRCh37 (hg19) VCF-style: chr17-29667583-G-A.
Other names: c.6919G>A, p.Val2307Ile (NM_000267.4); short protein forms V2307I, V2328I.
Identifiers: ClinVar variation 826701 (VCV000826701.12), dbSNP rs1597848066, ClinGen allele CA399014968.

ClinVar aggregate classification (germline): Uncertain significance (1 of 4 stars; one submission).

Conditions:
Hereditary cancer-predisposing syndrome. Also called: Tumor predisposition; Hereditary neoplastic syndrome; Neoplastic Syndromes, Hereditary; Hereditary Cancer Syndrome. Identifiers: Orphanet 140162, MedGen C0027672, MeSH D009386, MONDO:0015356.
Cardiovascular phenotype. Identifiers: MedGen CN230736.

Submission:

Ambry Genetics
Classification: Uncertain significance for Cardiovascular phenotype; Hereditary cancer-predisposing syndrome. Last evaluated: 2026-07-10. Review status: criteria provided, single submitter. Criteria: Ambry Variant Classification Scheme 2023. Collection method: clinical testing. Allele origin: germline.
Comment: The p.V2307I variant (also known as c.6919G>A), located in coding exon 46 of the NF1 gene, results from a G to A substitution at nucleotide position 6919. The valine at codon 2307 is replaced by isoleucine, an amino acid with highly similar properties. This amino acid position is highly conserved in available vertebrate species. In addition, this alteration is predicted to be tolerated by in silico analysis. Based on the available evidence, the clinical significance of this variant remains unclear.